The following is an entry in ClinVar:

NM_001330691.3(CEP78):c.500-20G>A

Gene: CEP78 (centrosomal protein 78; plus strand). Cytogenetic location: 9q21.2.
Variant type: single nucleotide variant.
Coding change: c.500-20G>A on transcript NM_001330691.3 (MANE Select); 20 bases into the intron before coding-DNA position 500, G replaced by A.
Molecular consequence: intron variant.
Genome position (GRCh38, 1-based): chr9:78,241,676, G>A. VCF-style: chr9-78241676-G-A. GRCh37 (hg19) VCF-style: chr9-80856592-G-A.
Other names: c.500-20G>A (NM_001349839.2, NM_001349840.2, NM_001330693.3 and 4 more transcripts).
Identifiers: ClinVar variation 2026187 (VCV002026187.4), dbSNP rs752437934, ClinGen allele CA5094943.
Genomic context (GRCh38, chr9:78,241,676, plus strand): 5'-AAGAAGAGCAAATAAATCAAGACTGACTAGGTTGTATATGCTCTTCATCTTATTGTATGT[G>A]GTTTTTTTTTCCATTTTAGTTATTTGTCAAGGTATAAAGAGCTCTATCACTCTTAAGACA-3'

ClinVar aggregate classification (germline): Uncertain significance (1 of 4 stars; one submission).

Allele frequency attached by ClinVar (database versions not stated): gnomAD exomes below 0.00001; ExAC 0.00001; TOPMed 0.00001.
gnomAD v4.1: 1 of 1,201,180 alleles (0.000083%); highest among the groups gnomAD compares: Non-Finnish European, 0.00012%; no homozygotes.

Submission:

Labcorp Genetics (formerly Invitae), Labcorp
Classification: Uncertain significance. Last evaluated: 2024-02-24. Review status: criteria provided, single submitter. Criteria: Invitae Variant Classification Sherloc (09022015). Collection method: clinical testing. Allele origin: germline.
Comment: This sequence change falls in intron 3 of the CEP78 gene. It does not directly change the encoded amino acid sequence of the CEP78 protein. This variant is not present in population databases (gnomAD no frequency). This variant has not been reported in the literature in individuals affected with CEP78-related conditions. ClinVar contains an entry for this variant (Variation ID: 2026187). Algorithms developed to predict the effect of sequence changes on RNA splicing suggest that this variant may disrupt the consensus splice site. In summary, the available evidence is currently insufficient to determine the role of this variant in disease. Therefore, it has been classified as a Variant of Uncertain Significance.